The following is an entry in ClinVar:

NM_000135.4(FANCA):c.79+1G>A

Genes: FANCA (FA complementation group A; minus strand), LOC112486223 (Sharpr-MPRA regulatory region 3988; plus strand). Cytogenetic location: 16q24.3.
Variant type: single nucleotide variant.
Coding change: c.79+1G>A on transcript NM_000135.4 (MANE Select); the canonical splice donor site of the intron after coding-DNA position 79, G replaced by A.
Molecular consequence: splice donor variant.
Genome position (GRCh38, 1-based): chr16:89,816,536, C>T on the plus strand (G>A on the coding strand, the complement: FANCA is on the minus strand). VCF-style: chr16-89816536-C-T. GRCh37 (hg19) VCF-style: chr16-89882944-C-T.
Other names: c.79+1G>A (NM_001286167.3, NM_001351830.2, NM_001018112.3).
Identifiers: ClinVar variation 849517 (VCV000849517.9), dbSNP rs1483028018, ClinGen allele CA397484371.

ClinVar aggregate classification (germline): Likely pathogenic. Review status: criteria provided, multiple submitters, no conflicts (2 of 4 stars). 2 submissions from 2 submitters: Likely pathogenic (2). Last evaluated 2023-08-10.

Conditions:
Fanconi anemia complementation group A (FANCA). Also called: FANCA-Related Fanconi Anemia; Fanconi anemia, group A. Identifiers: Orphanet 84, MedGen C3469521, MONDO:0009215, OMIM 227650.
Fanconi anemia (FA). Also called: Fanconi's anemia. Identifiers: Orphanet 84, MedGen C0015625, MeSH D005199, MONDO:0019391.

Allele frequency attached by ClinVar (database versions not stated): gnomAD exomes below 0.00001 and 0.00001.
gnomAD v4.1: 1 of 1,495,498 alleles (0.000067%); highest among the groups gnomAD compares: South Asian, 0.0012%; no homozygotes.

Submissions (2):

Labcorp Genetics (formerly Invitae), Labcorp
Classification: Likely pathogenic for Fanconi anemia. Last evaluated: 2023-08-10. Review status: criteria provided, single submitter. Criteria: Invitae Variant Classification Sherloc (09022015). Collection method: clinical testing. Allele origin: germline.
Comment: This sequence change affects a donor splice site in intron 1 of the FANCA gene. It is expected to disrupt RNA splicing. Variants that disrupt the donor or acceptor splice site typically lead to a loss of protein function (PMID: 16199547), and loss-of-function variants in FANCA are known to be pathogenic (PMID: 19367192). The frequency data for this variant in the population databases is considered unreliable, as metrics indicate poor data quality at this position in the gnomAD database. This variant has not been reported in the literature in individuals affected with FANCA-related conditions. ClinVar contains an entry for this variant (Variation ID: 849517). Algorithms developed to predict the effect of sequence changes on RNA splicing suggest that this variant may disrupt the consensus splice site. In summary, the currently available evidence indicates that the variant is pathogenic, but additional data are needed to prove that conclusively. Therefore, this variant has been classified as Likely Pathogenic.

Kariminejad - Najmabadi Pathology & Genetics Center
Classification: Likely pathogenic for Fanconi anemia complementation group A. Review status: criteria provided, single submitter. Criteria: ACMG Guidelines, 2015. Collection method: clinical testing. Allele origin: germline. Affected: no.

Literature cited by the submitters: PubMed 16199547 (cited by Labcorp Genetics (formerly Invitae), Labcorp); PubMed 19367192 (cited by Labcorp Genetics (formerly Invitae), Labcorp).